The following is an entry in ClinVar:

ClinVar aggregate classification (germline): Uncertain significance. Review status: criteria provided, multiple submitters, no conflicts (2 of 4 stars). 4 submissions from 4 submitters: Uncertain significance (4). Last evaluated 2025-12-27.

Conditions:
Familial thoracic aortic aneurysm and aortic dissection (TAAD). Also called: Thoracic aortic aneurysms and dissections. Identifiers: Orphanet 91387, MedGen C4707243, MONDO:0019625.
Aortic aneurysm, familial thoracic 7 (AAT7). Also called: AORTIC DISSECTION, FAMILIAL, WITH OR WITHOUT AORTIC ANEURYSM. Identifiers: MedGen C3151077, MONDO:0013418, OMIM 613780.

Allele frequency attached by ClinVar (database versions not stated): gnomAD exomes below 0.00001 and 0.00001; gnomAD 0.00002; TOPMed 0.00002.
gnomAD v4.1: 13 of 1,612,448 alleles (0.00081%); highest among the groups gnomAD compares: East Asian, 0.0045%; no homozygotes.

Submissions (4):

Labcorp Genetics (formerly Invitae), Labcorp
Classification: Uncertain significance for Aortic aneurysm, familial thoracic 7. Last evaluated: 2025-12-27. Review status: criteria provided, single submitter. Criteria: Invitae Variant Classification Sherloc (09022015). Collection method: clinical testing. Allele origin: germline.
Comment: This sequence change replaces serine, which is neutral and polar, with phenylalanine, which is neutral and non-polar, at codon 305 of the MYLK protein (p.Ser305Phe). This variant is present in population databases (no rsID available, gnomAD 0.0009%). This variant has not been reported in the literature in individuals affected with MYLK-related conditions. ClinVar contains an entry for this variant (Variation ID: 979102). Invitae Evidence Modeling of protein sequence and biophysical properties (such as structural, functional, and spatial information, amino acid conservation, physicochemical variation, residue mobility, and thermodynamic stability) indicates that this missense variant is not expected to disrupt MYLK protein function with a negative predictive value of 95%. In summary, the available evidence is currently insufficient to determine the role of this variant in disease. Therefore, it has been classified as a Variant of Uncertain Significance.

Ambry Genetics
Classification: Uncertain significance for Familial thoracic aortic aneurysm and aortic dissection. Last evaluated: 2023-09-20. Review status: criteria provided, single submitter. Criteria: Ambry Variant Classification Scheme 2023. Collection method: clinical testing. Allele origin: germline.

GeneDx
Classification: Uncertain significance. Last evaluated: 2022-03-24. Review status: criteria provided, single submitter. Criteria: GeneDx Variant Classification Process June 2021. Collection method: clinical testing. Allele origin: germline. Affected: yes.
Comment: Has not been previously published as pathogenic or benign to our knowledge; Not observed at significant frequency in large population cohorts (gnomAD); In silico analysis supports that this missense variant does not alter protein structure/function

Human Genome Sequencing Center Clinical Lab, Baylor College of Medicine
Classification: Uncertain significance for Familial thoracic aortic aneurysm 7. Review status: criteria provided, single submitter. Criteria: ACMG Guidelines, 2015. Collection method: clinical testing. Allele origin: germline.

NM_053025.4(MYLK):c.914C>T (p.Ser305Phe)

Gene: MYLK (myosin light chain kinase; minus strand). Cytogenetic location: 3q21.1.
Variant type: single nucleotide variant.
Coding change: c.914C>T on transcript NM_053025.4 (MANE Select); coding-DNA position 914, C replaced by T.
Protein change: p.Ser305Phe; replaces serine 305 with phenylalanine.
Molecular consequence: missense variant.
Genome position (GRCh38, 1-based): chr3:123,734,082, G>A on the plus strand (C>T on the coding strand, the complement: MYLK is on the minus strand). VCF-style: chr3-123734082-G-A. GRCh37 (hg19) VCF-style: chr3-123452929-G-A.
Other names: c.386C>T, p.Ser129Phe (NM_001321309.2); c.914C>T, p.Ser305Phe (NM_053026.4, NM_053027.4, NM_053028.4); short protein forms S129F, S305F.
Identifiers: ClinVar variation 979102 (VCV000979102.13), dbSNP rs1431655501, ClinGen allele CA354239880.